The following is an entry in ClinVar:

NM_002471.4(MYH6):c.4900G>A (p.Ala1634Thr)

Genes: MYH6 (myosin heavy chain 6; minus strand), LOC126861896 (BRD4-independent group 4 enhancer GRCh37_chr14:23854904-23856103; plus strand). Cytogenetic location: 14q11.2.
Variant type: single nucleotide variant.
Coding change: c.4900G>A on transcript NM_002471.4 (MANE Select); coding-DNA position 4900, G replaced by A.
Protein change: p.Ala1634Thr; replaces alanine 1634 with threonine.
Molecular consequence: missense variant.
Genome position (GRCh38, 1-based): chr14:23,386,374, C>T on the plus strand (G>A on the coding strand, the complement: MYH6 is on the minus strand). VCF-style: chr14-23386374-C-T. GRCh37 (hg19) VCF-style: chr14-23855583-C-T.
Other names: short protein forms A1634T.
Identifiers: ClinVar variation 936556 (VCV000936556.15), dbSNP rs369767936, ClinGen allele CA7114615.

ClinVar aggregate classification (germline): Conflicting classifications of pathogenicity. Review status: criteria provided, conflicting classifications (1 of 4 stars). 5 submissions from 5 submitters: Uncertain significance (4); Likely benign (1). Last evaluated 2025-09-10.

Conditions:
Cardiovascular phenotype. Identifiers: MedGen CN230736.
Hypertrophic cardiomyopathy 14. Identifiers: MedGen C2750467, MONDO:0013197, OMIM 613251.
Atrial septal defect 3 (ASD3). Identifiers: Orphanet 1478, MedGen C3279790, MONDO:0013567, OMIM 614089.

Allele frequency attached by ClinVar (database versions not stated): gnomAD 0.00001; ExAC 0.00002; gnomAD exomes 0.00002 and 0.00003; TOPMed 0.00002; ESP Exome Variant Server 0.00008.
gnomAD v4.1: 40 of 1,614,016 alleles (0.0025%); highest among the groups gnomAD compares: Middle Eastern, 0.066%; no homozygotes.

Submissions (5):

Genomic Medicine Center of Excellence, King Faisal Specialist Hospital and Research Centre
Classification: Uncertain significance for Atrial septal defect 3. Last evaluated: 2025-09-10. Review status: criteria provided, single submitter. Criteria: ACMG Guidelines, 2015. Collection method: clinical testing. Allele origin: germline.

Ambry Genetics
Classification: Uncertain significance for Cardiovascular phenotype. Last evaluated: 2024-10-30. Review status: criteria provided, single submitter. Criteria: Ambry Variant Classification Scheme 2023. Collection method: clinical testing. Allele origin: germline.
Comment: The p.A1634T variant (also known as c.4900G>A), located in coding exon 31 of the MYH6 gene, results from a G to A substitution at nucleotide position 4900. The alanine at codon 1634 is replaced by threonine, an amino acid with similar properties. This amino acid position is highly conserved in available vertebrate species. In addition, the in silico prediction for this alteration is inconclusive. Since supporting evidence is limited at this time, the clinical significance of this alteration remains unclear.

Labcorp Genetics (formerly Invitae), Labcorp
Classification: Uncertain significance for Hypertrophic cardiomyopathy 14. Last evaluated: 2024-10-01. Review status: criteria provided, single submitter. Criteria: Invitae Variant Classification Sherloc (09022015). Collection method: clinical testing. Allele origin: germline.
Comment: This sequence change replaces alanine, which is neutral and non-polar, with threonine, which is neutral and polar, at codon 1634 of the MYH6 protein (p.Ala1634Thr). This variant is present in population databases (rs369767936, gnomAD 0.003%). This variant has not been reported in the literature in individuals affected with MYH6-related conditions. ClinVar contains an entry for this variant (Variation ID: 936556). Invitae Evidence Modeling of protein sequence and biophysical properties (such as structural, functional, and spatial information, amino acid conservation, physicochemical variation, residue mobility, and thermodynamic stability) indicates that this missense variant is not expected to disrupt MYH6 protein function with a negative predictive value of 80%. In summary, the available evidence is currently insufficient to determine the role of this variant in disease. Therefore, it has been classified as a Variant of Uncertain Significance.

Blueprint Genetics
Classification: Likely benign. Last evaluated: 2024-02-07. Review status: criteria provided, single submitter. Criteria: ACMG Guidelines, 2015. Collection method: clinical testing. Allele origin: germline.

GeneDx
Classification: Uncertain significance. Last evaluated: 2022-12-07. Review status: criteria provided, single submitter. Criteria: GeneDx Variant Classification Process June 2021. Collection method: clinical testing. Allele origin: germline. Affected: yes.
Comment: Has not been previously published as pathogenic or benign to our knowledge; Not observed at significant frequency in large population cohorts (gnomAD); In silico analysis supports that this missense variant has a deleterious effect on protein structure/function; This variant is associated with the following publications: (PMID: 26582918, 27535533)